The following is an entry in ClinVar:

NM_000234.3(LIG1):c.782T>C (p.Leu261Pro)

Gene: LIG1 (DNA ligase 1; minus strand). Cytogenetic location: 19q13.33.
Variant type: single nucleotide variant.
Coding change: c.782T>C on transcript NM_000234.3 (MANE Select); coding-DNA position 782, T replaced by C.
Protein change: p.Leu261Pro; replaces leucine 261 with proline.
Molecular consequence: missense variant. On other transcripts: non-coding transcript variant (6).
Genome position (GRCh38, 1-based): chr19:48,143,958, A>G on the plus strand (T>C on the coding strand, the complement: LIG1 is on the minus strand). VCF-style: chr19-48143958-A-G. GRCh37 (hg19) VCF-style: chr19-48647215-A-G.
Other names: c.689T>C, p.Leu230Pro (NM_001289063.2); c.578T>C, p.Leu193Pro (NM_001289064.2); c.779T>C, p.Leu260Pro (NM_001320970.2); c.692T>C, p.Leu231Pro (NM_001320971.2); short protein forms L231P, L230P, L261P, L193P, L260P.
Identifiers: ClinVar variation 1382975 (VCV001382975.5), dbSNP rs774807250, ClinGen allele CA9547114.

ClinVar aggregate classification (germline): Uncertain significance (1 of 4 stars; one submission).

Allele frequency attached by ClinVar (database versions not stated): gnomAD exomes below 0.00001 and 0.00002; gnomAD 0.00001 and 0.00003; ExAC 0.00003; TOPMed 0.00003.

Submission:

Labcorp Genetics (formerly Invitae), Labcorp
Classification: Uncertain significance. Last evaluated: 2021-08-31. Review status: criteria provided, single submitter. Criteria: Invitae Variant Classification Sherloc (09022015). Collection method: clinical testing. Allele origin: germline.
Comment: This sequence change replaces leucine with proline at codon 261 of the LIG1 protein (p.Leu261Pro). The leucine residue is weakly conserved and there is a moderate physicochemical difference between leucine and proline. This variant is present in population databases (rs774807250, ExAC 0.009%). This variant has not been reported in the literature in individuals affected with LIG1-related conditions. Algorithms developed to predict the effect of missense changes on protein structure and function output the following: SIFT: "Tolerated"; PolyPhen-2: "Benign"; Align-GVGD: "Class C0". The proline amino acid residue is found in multiple mammalian species, which suggests that this missense change does not adversely affect protein function. In summary, the available evidence is currently insufficient to determine the role of this variant in disease. Therefore, it has been classified as a Variant of Uncertain Significance.